The following is an entry in ClinVar:

ClinVar aggregate classification (germline): Uncertain significance. Review status: criteria provided, multiple submitters, no conflicts (2 of 4 stars). 2 submissions from 2 submitters: Uncertain significance (2). Last evaluated 2023-06-22.

Conditions:
Inborn genetic diseases. Identifiers: MedGen C0950123, MeSH D030342.

Allele frequency attached by ClinVar (database versions not stated): gnomAD 0.00001; TOPMed 0.00001; ExAC 0.00002; gnomAD exomes 0.00002.
gnomAD v4.1: 27 of 1,614,056 alleles (0.0017%); highest among the groups gnomAD compares: East Asian, 0.0022%; no homozygotes.

Submissions (2):

Ambry Genetics
Classification: Uncertain significance for Inborn genetic diseases. Last evaluated: 2023-06-22. Review status: criteria provided, single submitter. Criteria: Ambry Variant Classification Scheme 2023. Collection method: clinical testing. Allele origin: germline.

GeneDx
Classification: Uncertain significance. Last evaluated: 2022-03-17. Review status: criteria provided, single submitter. Criteria: GeneDx Variant Classification Process June 2021. Collection method: clinical testing. Allele origin: germline. Affected: yes.
Comment: In silico analysis supports that this missense variant has a deleterious effect on protein structure/function; Has not been previously published as pathogenic or benign to our knowledge

NM_004817.4(TJP2):c.2426T>C (p.Ile809Thr)

Gene: TJP2 (tight junction protein 2; plus strand). Cytogenetic location: 9q21.11.
Variant type: single nucleotide variant.
Coding change: c.2426T>C on transcript NM_004817.4 (MANE Select); coding-DNA position 2426, T replaced by C.
Protein change: p.Ile809Thr; replaces isoleucine 809 with threonine.
Molecular consequence: missense variant.
Genome position (GRCh38, 1-based): chr9:69,240,007, T>C. VCF-style: chr9-69240007-T-C. GRCh37 (hg19) VCF-style: chr9-71854923-T-C.
Other names: c.2357T>C, p.Ile786Thr (NM_001170414.2, NM_001369871.1); c.2438T>C, p.Ile813Thr (NM_001170415.1, NM_001369874.1, NM_001369875.1); c.2519T>C, p.Ile840Thr (NM_001170416.2); c.2351T>C, p.Ile784Thr (NM_001369870.1); c.2426T>C, p.Ile809Thr (NM_001369872.1, NM_001369873.1, NM_201629.3); short protein forms I784T, I786T, I809T, I813T, I840T.
Identifiers: ClinVar variation 1706083 (VCV001706083.4), dbSNP rs755699574, ClinGen allele CA5073674.